The following is an entry in ClinVar:

ClinVar aggregate classification (germline): Pathogenic (1 of 4 stars; one submission).

Submission:

Labcorp Genetics (formerly Invitae), Labcorp
Classification: Pathogenic. Last evaluated: 2022-11-10. Review status: criteria provided, single submitter. Criteria: Invitae Variant Classification Sherloc (09022015). Collection method: clinical testing. Allele origin: germline.
Comment: This variant has not been reported in the literature in individuals affected with SLC4A1-related conditions. This variant is not present in population databases (gnomAD no frequency). This sequence change creates a premature translational stop signal (p.Glu535*) in the SLC4A1 gene. It is expected to result in an absent or disrupted protein product. Loss-of-function variants in SLC4A1 are known to be pathogenic (PMID: 8943874, 10926824, 23255290). For these reasons, this variant has been classified as Pathogenic.

Literature cited by the submitters: PubMed 8943874; PubMed 10926824; PubMed 23255290.

NM_000342.4(SLC4A1):c.1603G>T (p.Glu535Ter)

Gene: SLC4A1 (solute carrier family 4 member 1 (Diego blood group); minus strand). Cytogenetic location: 17q21.31.
Variant type: single nucleotide variant.
Coding change: c.1603G>T on transcript NM_000342.4 (MANE Select); coding-DNA position 1603, G replaced by T.
Protein change: p.Glu535Ter; replaces glutamic acid 535 with a stop codon.
Molecular consequence: nonsense.
Genome position (GRCh38, 1-based): chr17:44,257,373, C>A on the plus strand (G>T on the coding strand, the complement: SLC4A1 is on the minus strand). VCF-style: chr17-44257373-C-A. GRCh37 (hg19) VCF-style: chr17-42334741-C-A.
Other names: short protein forms E535*.
Identifiers: ClinVar variation 2813377 (VCV002813377.3), dbSNP rs2509965514, ClinGen allele CA399785130.